The following is an entry in ClinVar:

NM_000127.3(EXT1):c.1718_1719del (p.Thr573fs)

Gene: EXT1 (exostosin glycosyltransferase 1; minus strand). Cytogenetic location: 8q24.11.
Variant type: Deletion.
Coding change: c.1718_1719del on transcript NM_000127.3 (MANE Select); coding-DNA positions 1718 to 1719, 2 bases deleted (CA; older notation c.1718_1719delCA).
Protein change: p.Thr573fs; shifts the reading frame from threonine 573.
Molecular consequence: frameshift variant.
Genome position (GRCh38, 1-based): chr8:117,812,875-117,812,876, TG deleted on the plus strand (CA on the coding strand, the reverse complement: EXT1 is on the minus strand); deleting any 2 consecutive bases within chr8:117,812,875-117,812,877 gives the same sequence; the c. name uses the placement nearest the transcript's 3' end. VCF-style (leftmost placement, unchanged base first): chr8-117812874-CTG-C. GRCh37 (hg19) VCF-style: chr8-118825113-CTG-C.
Other names: short protein forms T573fs.
Identifiers: ClinVar variation 856277 (VCV000856277.9), dbSNP rs1823350888, ClinGen allele CA916081516.

ClinVar aggregate classification (germline): Pathogenic (1 of 4 stars; one submission).

Conditions:
Multiple congenital exostosis (EXT). Also called: Hereditary multiple exostoses; Hereditary multiple exostosis; MULTIPLE CARTILAGINOUS EXOSTOSES; Multiple exostoses; Multiple osteochondromas; Hereditary multiple osteochondromas. Identifiers: Orphanet 321, MedGen C0015306, MONDO:0005508, HP:0002762.

Submission:

Labcorp Genetics (formerly Invitae), Labcorp
Classification: Pathogenic for Multiple congenital exostosis. Last evaluated: 2019-01-29. Review status: criteria provided, single submitter. Criteria: Invitae Variant Classification Sherloc (09022015). Collection method: clinical testing. Allele origin: germline.
Comment: For these reasons, this variant has been classified as Pathogenic. Loss-of-function variants in EXT1 are known to be pathogenic (PMID: 10679937, 11391482, 19810120). This variant has been observed in an individual with multiple osteochondromas (PMID: 29529714). This variant is not present in population databases (ExAC no frequency). This sequence change creates a premature translational stop signal (p.Thr573Argfs*14) in the EXT1 gene. It is expected to result in an absent or disrupted protein product.

Literature cited by the submitters: PubMed 10679937; PubMed 11391482; PubMed 19810120; PubMed 29529714.